The following is an entry in ClinVar:

ClinVar aggregate classification (germline): Uncertain significance (1 of 4 stars; one submission).

Conditions:
Inborn genetic diseases. Identifiers: MedGen C0950123, MeSH D030342.

Submission:

Ambry Genetics
Classification: Uncertain significance for Inborn genetic diseases. Last evaluated: 2026-02-27. Review status: criteria provided, single submitter. Criteria: Ambry Variant Classification Scheme 2023. Collection method: clinical testing. Allele origin: germline.
Comment: The p.H331D variant (also known as c.991C>G), located in coding exon 11 of the ASXL1 gene, results from a C to G substitution at nucleotide position 991. The histidine at codon 331 is replaced by aspartic acid, an amino acid with similar properties. This amino acid position is conserved. In addition, the in silico prediction for this alteration is inconclusive. Based on the available evidence, the clinical significance of this variant remains unclear.

NM_015338.6(ASXL1):c.991C>G (p.His331Asp)

Gene: ASXL1 (ASXL transcriptional regulator 1; plus strand). Cytogenetic location: 20q11.21.
Variant type: single nucleotide variant.
Coding change: c.991C>G on transcript NM_015338.6 (MANE Select); coding-DNA position 991, C replaced by G.
Protein change: p.His331Asp; replaces histidine 331 with aspartic acid.
Molecular consequence: missense variant.
Genome position (GRCh38, 1-based): chr20:32,432,891, C>G. VCF-style: chr20-32432891-C-G. GRCh37 (hg19) VCF-style: chr20-31020694-C-G.
Other names: c.808C>G, p.His270Asp (NM_001363734.1); short protein forms H331D, H270D.
Identifiers: ClinVar variation 4827388 (VCV004827388.1), dbSNP rs886056597.